The following is an entry in ClinVar:

NM_002439.5(MSH3):c.3014C>T (p.Thr1005Ile)

Gene: MSH3 (mutS homolog 3; plus strand). Cytogenetic location: 5q14.1.
Variant type: single nucleotide variant.
Coding change: c.3014C>T on transcript NM_002439.5 (MANE Select); coding-DNA position 3014, C replaced by T.
Protein change: p.Thr1005Ile; replaces threonine 1005 with isoleucine.
Molecular consequence: missense variant.
Genome position (GRCh38, 1-based): chr5:80,864,826, C>T. VCF-style: chr5-80864826-C-T. GRCh37 (hg19) VCF-style: chr5-80160645-C-T.
Other names: short protein forms T1005I.
Identifiers: ClinVar variation 3398684 (VCV003398684.1).
Genomic context (GRCh38, chr5:80,864,826, plus strand): 5'-ATAAAATTTAAAAATGAAATAACATTTATTCTGTCTTATTGCTTTAGGTGAAATCCTTAA[C>T]CCTGTTTGTCACCCATTATCCGCCAGTTTGTGAACTAGAAAAAAATTACTCACACCAGGT-3'
Protein context (NP_002430.3, residues 995-1015): EYFIRDVKSL[Thr1005Ile]LFVTHYPPVC

ClinVar aggregate classification (germline): Uncertain significance (1 of 4 stars; one submission).

Conditions:
Hereditary cancer-predisposing syndrome. Also called: Hereditary Cancer Syndrome; Tumor predisposition; Hereditary neoplastic syndrome; Neoplastic Syndromes, Hereditary. Identifiers: Orphanet 140162, MedGen C0027672, MeSH D009386, MONDO:0015356.

Submission:

Ambry Genetics
Classification: Uncertain significance for Hereditary cancer-predisposing syndrome. Last evaluated: 2024-06-25. Review status: criteria provided, single submitter. Criteria: Ambry Variant Classification Scheme 2023. Collection method: clinical testing. Allele origin: germline.
Comment: The p.T1005I variant (also known as c.3014C>T), located in coding exon 22 of the MSH3 gene, results from a C to T substitution at nucleotide position 3014. The threonine at codon 1005 is replaced by isoleucine, an amino acid with similar properties. This amino acid position is conserved. In addition, this alteration is predicted to be deleterious by in silico analysis. Based on the available evidence, the clinical significance of this variant remains unclear.